The following is an entry in ClinVar:

ClinVar aggregate classification (germline): Uncertain significance (0 of 4 stars; one submission).

Conditions:
MAGEL2-related disorder. Also called: MAGEL2-related condition.

Submission:

PreventionGenetics, part of Exact Sciences
Classification: Uncertain significance for MAGEL2-related condition. Last evaluated: 2024-04-02. Review status: no assertion criteria provided. Collection method: clinical testing. Allele origin: germline.
Comment: The MAGEL2 c.1265C>A variant is predicted to result in the amino acid substitution p.Pro422His. To our knowledge, this variant has not been reported in the literature or in a large population database, indicating this variant is rare. At this time, the clinical significance of this variant is uncertain due to the absence of conclusive functional and genetic evidence.

NM_019066.5(MAGEL2):c.1265C>A (p.Pro422His)

Gene: MAGEL2 (MAGE family member L2; minus strand). Cytogenetic location: 15q11.2.
Variant type: single nucleotide variant.
Coding change: c.1265C>A on transcript NM_019066.5 (MANE Select); coding-DNA position 1265, C replaced by A.
Protein change: p.Pro422His; replaces proline 422 with histidine.
Molecular consequence: missense variant.
Genome position (GRCh38, 1-based): chr15:23,646,478, G>T on the plus strand (C>A on the coding strand, the complement: MAGEL2 is on the minus strand). VCF-style: chr15-23646478-G-T. GRCh37 (hg19) VCF-style: chr15-23891625-G-T.
Other names: short protein forms P422H.
Identifiers: ClinVar variation 3357546 (VCV003357546.1).
Genomic context (GRCh38, chr15:23,646,478, plus strand): 5'-GGTGGGGCCTGGCGGATCAGCGGTGGGGCCTGTCGCACCGGTGGTGGGCCAGGGCGGATG[G>T]GTGGTGGGCCAGGGCGGATGGGCGGGGGCCCCTGGCGCATGGGCGGCGGCACCTGCCAGG-3'
Protein context (NP_061939.3, residues 412-432): GPPPIRPGPP[Pro422His]IRPGPPPVRQ